The following is an entry in ClinVar:

NM_001378183.1(PIEZO2):c.4110C>T (p.Tyr1370=)

Gene: PIEZO2 (piezo type mechanosensitive ion channel component 2; minus strand). Cytogenetic location: 18p11.22.
Variant type: single nucleotide variant.
Coding change: c.4110C>T on transcript NM_001378183.1 (MANE Select); coding-DNA position 4110, C replaced by T.
Protein change: p.Tyr1370=; no amino-acid change (tyrosine 1370 retained).
Molecular consequence: synonymous variant.
Genome position (GRCh38, 1-based): chr18:10,752,693, G>A on the plus strand (C>T on the coding strand, the complement: PIEZO2 is on the minus strand). VCF-style: chr18-10752693-G-A. GRCh37 (hg19) VCF-style: chr18-10752691-G-A.
Other names: c.4110C>T, p.Tyr1370= (NM_001410871.1); c.4035C>T, p.Tyr1345= (NM_022068.4).
Identifiers: ClinVar variation 4875379 (VCV004875379.2).
Genomic context (GRCh38, chr18:10,752,693, plus strand): 5'-TACTGACAGGATATTTTTCATCGTAATCACAAAAACGTTGTATGCGATCAGCCAGTCCCA[G>A]TAGCGCAGGATGCTCTTGATGGGTTTCAACAGCAAATCGCCCCCAAAGAGCAGGAAGTAG-3'
Protein context (NP_001365112.1, residues 1360-1380): LLKPIKSILR[Tyr1370=]WDWLIAYNVF

ClinVar aggregate classification (germline): Likely benign (1 of 4 stars; one submission).

Submission:

CeGaT Center for Human Genetics Tuebingen
Classification: Likely benign. Last evaluated: 2026-06-01. Review status: criteria provided, single submitter. Criteria: CeGaT Center For Human Genetics Tuebingen Variant Classification Criteria Version 2. Collection method: clinical testing. Allele origin: germline. Affected: yes. Observed: 1 variant allele.
Comment: PIEZO2: PM2:Supporting, BP4, BP7